The following is an entry in ClinVar:

ClinVar aggregate classification (germline): Uncertain significance. Review status: criteria provided, multiple submitters, no conflicts (2 of 4 stars). 2 submissions from 2 submitters: Uncertain significance (2). Last evaluated 2025-02-19.

Conditions:
Hereditary cancer-predisposing syndrome. Also called: Tumor predisposition; Hereditary Cancer Syndrome; Hereditary neoplastic syndrome; Neoplastic Syndromes, Hereditary. Identifiers: Orphanet 140162, MedGen C0027672, MeSH D009386, MONDO:0015356.
Familial adenomatous polyposis 1 (FAP1). Also called: FAMILIAL ADENOMATOUS POLYPOSIS 1, ATTENUATED; POLYPOSIS, ADENOMATOUS INTESTINAL. Identifiers: MedGen C2713442, MONDO:0021056, OMIM 175100. Disease mechanism: loss of function.

Submissions (2):

Ambry Genetics
Classification: Uncertain significance for Hereditary cancer-predisposing syndrome. Last evaluated: 2025-02-19. Review status: criteria provided, single submitter. Criteria: Ambry Variant Classification Scheme 2023. Collection method: clinical testing. Allele origin: germline.
Comment: The p.N1533H variant (also known as c.4597A>C), located in coding exon 15 of the APC gene, results from an A to C substitution at nucleotide position 4597. The asparagine at codon 1533 is replaced by histidine, an amino acid with similar properties. This amino acid position is not well conserved in available vertebrate species. In addition, in silico predictors for this gene do not accurately predict pathogenicity. Missense alterations in APC are not a common cause of disease (Spier I et al. Genet Med. 2024 Feb;26(2):100992). Based on the available evidence, the clinical significance of this variant remains unclear.

Labcorp Genetics (formerly Invitae), Labcorp
Classification: Uncertain significance for Familial adenomatous polyposis 1. Last evaluated: 2019-06-06. Review status: criteria provided, single submitter. Criteria: Invitae Variant Classification Sherloc (09022015). Collection method: clinical testing. Allele origin: germline.
Comment: This variant has not been reported in the literature in individuals with APC-related conditions. ClinVar contains an entry for this variant (Variation ID: 486774). In summary, the available evidence is currently insufficient to determine the role of this variant in disease. Therefore, it has been classified as a Variant of Uncertain Significance. Algorithms developed to predict the effect of missense changes on protein structure and function output the following: SIFT: "Tolerated"; PolyPhen-2: "Benign"; Align-GVGD: "Class C0". The histidine amino acid residue is found in multiple mammalian species, suggesting that this missense change does not adversely affect protein function. These predictions have not been confirmed by published functional studies and their clinical significance is uncertain. This variant is not present in population databases (ExAC no frequency). This sequence change replaces asparagine with histidine at codon 1533 of the APC protein (p.Asn1533His). The asparagine residue is moderately conserved and there is a small physicochemical difference between asparagine and histidine.

NM_000038.6(APC):c.4597A>C (p.Asn1533His)

Gene: APC (APC regulator of Wnt signaling pathway; plus strand). Cytogenetic location: 5q22.2.
Variant type: single nucleotide variant.
Coding change: c.4597A>C on transcript NM_000038.6 (MANE Select); coding-DNA position 4597, A replaced by C.
Protein change: p.Asn1533His; replaces asparagine 1533 with histidine.
Molecular consequence: missense variant.
Genome position (GRCh38, 1-based): chr5:112,840,191, A>C. VCF-style: chr5-112840191-A-C. GRCh37 (hg19) VCF-style: chr5-112175888-A-C.
Other names: c.4597A>C, p.Asn1533His (NM_001127510.3, NM_001354895.2); c.4543A>C, p.Asn1515His (NM_001127511.3); c.4651A>C, p.Asn1551His (NM_001354896.2); c.4627A>C, p.Asn1543His (NM_001354897.2); c.4522A>C, p.Asn1508His (NM_001354898.2); c.4513A>C, p.Asn1505His (NM_001354899.2); c.4474A>C, p.Asn1492His (NM_001354900.2); c.4420A>C, p.Asn1474His (NM_001354901.2); and 5 more; short protein forms N1533H, N1515H, N1373H, N1442H, N1250H, N1407H, N1432H, N1474H.
Identifiers: ClinVar variation 486774 (VCV000486774.17), dbSNP rs730881226, ClinGen allele CA16031399.